The following is an entry in ClinVar:

NM_000059.4(BRCA2):c.7510_7617+184del

Gene: BRCA2 (BRCA2 DNA repair associated; plus strand). Cytogenetic location: 13q13.1.
Variant type: Deletion.
Coding change: c.7510_7617+184del on transcript NM_000059.4 (MANE Select); coding-DNA position 7510 through 184 bases into the intron after coding-DNA position 7617, 292 bases deleted.
Molecular consequence: splice donor variant.
Genome position (GRCh38, 1-based): chr13:32,356,502-32,356,793, 292 bases deleted. GRCh37 (hg19): chr13:32,930,639-32,930,930.
Identifiers: ClinVar variation 1759279 (VCV001759279.2), dbSNP rs2548541436, ClinGen allele CA2580087468.

ClinVar aggregate classification (germline): Likely pathogenic (1 of 4 stars; one submission).

Conditions:
Hereditary cancer-predisposing syndrome. Also called: Neoplastic Syndromes, Hereditary; Tumor predisposition; Hereditary Cancer Syndrome; Hereditary neoplastic syndrome. Identifiers: Orphanet 140162, MedGen C0027672, MeSH D009386, MONDO:0015356.

Submission:

Ambry Genetics
Classification: Likely pathogenic for Hereditary cancer-predisposing syndrome. Last evaluated: 2019-01-31. Review status: criteria provided, single submitter. Criteria: Ambry Variant Classification Scheme 2023. Collection method: clinical testing. Allele origin: germline.
Comment: The c.7510_7617+184DEL292 alteration is a deletion of a portion of coding exon 14 of the BRCA2 gene and extending 184 nucleotides into intron 15. This results in the deletion of a total of 292 nucleotides including the last 108 nucleotides of coding exon 14. This deletion is likely to cause a disruption of normal RNA splicing; however, direct evidence is unavailable. Based on the majority of available evidence to date, this variant is likely to be pathogenic.